The following is an entry in ClinVar:

ClinVar aggregate classification (germline): Benign. Review status: criteria provided, single submitter (1 of 4 stars). 2 submissions from 2 submitters: Benign (1). 1 of the submissions does not count toward it. Last evaluated 2026-01-13.

Conditions:
CTR9-related disorder. Also called: CTR9-related condition.

Allele frequency attached by ClinVar (database versions not stated): gnomAD 0.00006 and 0.00014; gnomAD exomes 0.00008 and 0.00041; TOPMed 0.00013; ExAC 0.00047; 1000 Genomes Project 30x 0.00156; 1000 Genomes Project 0.00160.
gnomAD v4.1: 145 of 1,603,568 alleles (0.009%); highest among the groups gnomAD compares: East Asian, 0.23%; 1 homozygote.

Submissions (2):

Labcorp Genetics (formerly Invitae), Labcorp
Classification: Benign. Last evaluated: 2026-01-13. Review status: criteria provided, single submitter. Criteria: Invitae Variant Classification Sherloc (09022015). Collection method: clinical testing. Allele origin: germline.

PreventionGenetics, part of Exact Sciences
Classification: Likely benign for CTR9-related condition. Last evaluated: 2022-04-25. Review status: no assertion criteria provided. Collection method: clinical testing. Allele origin: germline. Not counted in ClinVar's aggregate classification.
Comment: This variant is classified as likely benign based on ACMG/AMP sequence variant interpretation guidelines (Richards et al. 2015 PMID: 25741868, with internal and published modifications).

NM_014633.5(CTR9):c.2372+8T>A

Gene: CTR9 (CTR9 component of Paf1/RNA polymerase II complex; plus strand). Cytogenetic location: 11p15.4.
Variant type: single nucleotide variant.
Coding change: c.2372+8T>A on transcript NM_014633.5 (MANE Select); 8 bases into the intron after coding-DNA position 2372, T replaced by A.
Molecular consequence: intron variant.
Genome position (GRCh38, 1-based): chr11:10,770,640, T>A. VCF-style: chr11-10770640-T-A. GRCh37 (hg19) VCF-style: chr11-10792187-T-A.
Other names: c.2372+8T>A (NM_001346279.2, NM_014633.4).
Identifiers: ClinVar variation 1164307 (VCV001164307.11), dbSNP rs186063645, ClinGen allele CA5885299.
Genomic context (GRCh38, chr11:10,770,640, plus strand): 5'-AGTAATCTGAAGGAAGTACTTAATGCTGTGAAAGAACTGGAGCTTGCACATAGGTAAAGA[T>A]TTTGTAGAAACAACCTATGAAATGCTTTATTTGGTCTATGACCATACCATCTTGAACTCT-3'